The following continues an entry in ClinVar:

NM_001267550.2(TTN):c.18776C>G (p.Thr6259Ser)

ClinVar aggregate classification (germline): Conflicting classifications of pathogenicity. Uncertain significance (3); Benign (13); Likely benign (5).

Submissions 17 to 27 of 27:

GeneDx
Classification: Benign. Last evaluated: 2017-01-24. Review status: criteria provided, single submitter. Criteria: GeneDx Variant Classification (06012015). Collection method: clinical testing. Allele origin: germline. Affected: yes.
Comment: This variant is considered likely benign or benign based on one or more of the following criteria: it is a conservative change, it occurs at a poorly conserved position in the protein, it is predicted to be benign by multiple in silico algorithms, and/or has population frequency not consistent with disease.

Eurofins Ntd Llc (ga)
Classification: Likely benign. Last evaluated: 2015-07-09. Review status: criteria provided, single submitter. Criteria: EGL Classification Definitions 2015. Collection method: clinical testing. Allele origin: germline. Observed: 2 variant alleles, 1 heterozygote.

Laboratory for Molecular Medicine, Mass General Brigham Personalized Medicine
Classification: Likely benign. Last evaluated: 2015-04-09. Review status: criteria provided, single submitter. Criteria: LMM Criteria. Collection method: clinical testing. Allele origin: germline. Observed: 17 variant alleles.
Comment: p.Thr5015Ser in exon 61 of TTN: This variant is not expected to have clinical si gnificance because it has been identified in 0.5% (318/66490) of European chromo somes by the Exome Aggregation Consortium (ExAC; dbSNP rs72648949).

Genetic Services Laboratory, University of Chicago
Classification: Likely benign. Last evaluated: 2014-10-31. Review status: criteria provided, single submitter. Criteria: ACMG Guidelines, 2015. Collection method: clinical testing. Allele origin: germline.

Biesecker Lab/Clinical Genomics Section, National Institutes of Health
Classification: Benign. Last evaluated: 2013-06-24. Review status: criteria provided, single submitter. Criteria: Ng et al. (Circ Cardiovasc Genet. 2013). Collection method: research. Allele origin: unknown. Observed: 11 variant alleles. Study: ClinSeq.
Comment: The study set was not selected for affection status in relation to any cancer. Pathogenicity categories were based on literature curation. See Pubmed ID:23861362 for details.

Medical sequencing

Clinical Genetics DNA and cytogenetics Diagnostics Lab, Erasmus MC, Erasmus Medical Center
Classification: Likely benign. Review status: no assertion criteria provided. Collection method: clinical testing. Allele origin: germline. Affected: yes. Study: VKGL Data-share Consensus. Not counted in ClinVar's aggregate classification.

Clinical Genetics, Academic Medical Center
Classification: Benign. Review status: no assertion criteria provided. Collection method: clinical testing. Allele origin: germline. Affected: yes. Study: VKGL Data-share Consensus. Not counted in ClinVar's aggregate classification.

Diagnostic Laboratory, Department of Genetics, University Medical Center Groningen
Classification: Likely benign. Review status: no assertion criteria provided. Collection method: clinical testing. Allele origin: germline. Affected: yes. Study: VKGL Data-share Consensus. Not counted in ClinVar's aggregate classification.

Genome Diagnostics Laboratory, University Medical Center Utrecht
Classification: Benign. Review status: no assertion criteria provided. Collection method: clinical testing. Allele origin: germline. Affected: yes. Study: VKGL Data-share Consensus. Not counted in ClinVar's aggregate classification.

Joint Genome Diagnostic Labs from Nijmegen and Maastricht, Radboudumc and MUMC+
Classification: Benign. Review status: no assertion criteria provided. Collection method: clinical testing. Allele origin: germline. Affected: yes. Study: VKGL Data-share Consensus. Not counted in ClinVar's aggregate classification.

Laboratory of Diagnostic Genome Analysis, Leiden University Medical Center (LUMC)
Classification: Likely benign. Review status: no assertion criteria provided. Collection method: clinical testing. Allele origin: germline. Affected: yes. Study: VKGL Data-share Consensus. Not counted in ClinVar's aggregate classification.

Literature cited by the submitters: PubMed 23396983 (cited by Athena Diagnostics); PubMed 23861362 (cited by Athena Diagnostics); PubMed 24503780 (cited by Athena Diagnostics and Women's Health and Genetics/Laboratory Corporation of America, LabCorp).